The following is an entry in ClinVar:

ClinVar aggregate classification (germline): Likely pathogenic (1 of 4 stars; one submission).

Submission:

GeneDx
Classification: Likely pathogenic. Last evaluated: 2016-08-10. Review status: criteria provided, single submitter. Criteria: GeneDx Variant Classification (06012015). Collection method: clinical testing. Allele origin: germline. Affected: yes.
Comment: The Q1327P variant in the DYNC1H1 gene has not been reported previously as a pathogenic variant, nor as a benign variant, to our knowledge. The Q1327P variant was not observed in approximately 6,500 individuals of European and African American ancestry in the NHLBI Exome Sequencing Project, indicating it is not a common benign variant in these populations. The Q1327P variant is a non-conservative amino acid substitution, which is likely to impact secondary protein structure as these residues differ in polarity, charge, size and/or other properties. This substitution occurs at a position that is conserved in mammals. In silico analysis predicts this variant is probably damaging to the protein structure/function. The Q1327P variant is a strong candidate for a pathogenic variant, however the possibility it may be a rare benign variant cannot be excluded.

NM_001376.5(DYNC1H1):c.3980A>C (p.Gln1327Pro)

Gene: DYNC1H1 (dynein cytoplasmic 1 heavy chain 1; plus strand). Cytogenetic location: 14q32.31.
Variant type: single nucleotide variant.
Coding change: c.3980A>C on transcript NM_001376.5 (MANE Select); coding-DNA position 3980, A replaced by C.
Protein change: p.Gln1327Pro; replaces glutamine 1327 with proline.
Molecular consequence: missense variant.
Genome position (GRCh38, 1-based): chr14:102,000,305, A>C. VCF-style: chr14-102000305-A-C. GRCh37 (hg19) VCF-style: chr14-102466642-A-C.
Other names: short protein forms Q1327P.
Identifiers: ClinVar variation 421896 (VCV000421896.2), dbSNP rs763711252, ClinGen allele CA16619824.
Genomic context (GRCh38, chr14:102,000,305, plus strand): 5'-TCTATTTCCAAAGTCAACTGCTTTACTATTCTCAATCGCAGGTGGCCTTAGAAGAATTAC[A>C]GGACCTCAAAGGCGTTTGGTCAGAACTTTCTAAGGTTTGGGAGCAAATCGATCAGATGAA-3'
Protein context (NP_001367.2, residues 1317-1337): ERVQVALEEL[Gln1327Pro]DLKGVWSELS